The following is an entry in ClinVar:

NM_002474.3(MYH11):c.94G>C (p.Ala32Pro)

Gene: MYH11 (myosin heavy chain 11; minus strand). Cytogenetic location: 16p13.11.
Variant type: single nucleotide variant.
Coding change: c.94G>C on transcript NM_002474.3 (MANE Select); coding-DNA position 94, G replaced by C.
Protein change: p.Ala32Pro; replaces alanine 32 with proline.
Molecular consequence: missense variant.
Genome position (GRCh38, 1-based): chr16:15,838,159, C>G on the plus strand (G>C on the coding strand, the complement: MYH11 is on the minus strand). VCF-style: chr16-15838159-C-G. GRCh37 (hg19) VCF-style: chr16-15932016-C-G.
Other names: c.94G>C, p.Ala32Pro (NM_001040113.2, NM_001040114.2, NM_022844.3); c.94G>C (NM_002474.2); short protein forms A32P.
Identifiers: ClinVar variation 1380784 (VCV001380784.9), dbSNP rs765295579, ClinGen allele CA7923121.

ClinVar aggregate classification (germline): Uncertain significance. Review status: criteria provided, multiple submitters, no conflicts (2 of 4 stars). 2 submissions from 2 submitters: Uncertain significance (2). Last evaluated 2026-07-01.

Conditions:
Aortic aneurysm, familial thoracic 4 (AAT4). Also called: AORTIC ANEURYSM/AORTIC DISSECTION AND PATENT DUCTUS ARTERIOSUS. Identifiers: MedGen C1851504, MONDO:0007568, OMIM 132900.
Familial thoracic aortic aneurysm and aortic dissection (TAAD). Also called: Thoracic aortic aneurysms and dissections. Identifiers: Orphanet 91387, MedGen C4707243, MONDO:0019625.

gnomAD v4.1: 1 of 1,614,106 alleles (0.000062%); highest among the groups gnomAD compares: Admixed American, 0.0017%; no homozygotes.

Submissions (2):

Ambry Genetics
Classification: Uncertain significance for Familial thoracic aortic aneurysm and aortic dissection. Last evaluated: 2026-07-01. Review status: criteria provided, single submitter. Criteria: Ambry Variant Classification Scheme 2023. Collection method: clinical testing. Allele origin: germline.
Comment: The p.A32P variant (also known as c.94G>C), located in coding exon 1 of the MYH11 gene, results from a G to C substitution at nucleotide position 94. The alanine at codon 32 is replaced by proline, an amino acid with highly similar properties. This amino acid position is conserved. In addition, the in silico prediction for this alteration is inconclusive. Based on the available evidence, the clinical significance of this variant remains unclear.

Labcorp Genetics (formerly Invitae), Labcorp
Classification: Uncertain significance for Aortic aneurysm, familial thoracic 4. Last evaluated: 2022-08-23. Review status: criteria provided, single submitter. Criteria: Invitae Variant Classification Sherloc (09022015). Collection method: clinical testing. Allele origin: germline.
Comment: In summary, the available evidence is currently insufficient to determine the role of this variant in disease. Therefore, it has been classified as a Variant of Uncertain Significance. Algorithms developed to predict the effect of missense changes on protein structure and function are either unavailable or do not agree on the potential impact of this missense change (SIFT: "Deleterious"; PolyPhen-2: "Possibly Damaging"; Align-GVGD: "Class C0"). ClinVar contains an entry for this variant (Variation ID: 1380784). This variant has not been reported in the literature in individuals affected with MYH11-related conditions. This variant is present in population databases (rs765295579, gnomAD 0.003%). This sequence change replaces alanine, which is neutral and non-polar, with proline, which is neutral and non-polar, at codon 32 of the MYH11 protein (p.Ala32Pro).